The following is an entry in ClinVar:

NM_001330691.3(CEP78):c.1138G>T (p.Ala380Ser)

Gene: CEP78 (centrosomal protein 78; plus strand). Cytogenetic location: 9q21.2.
Variant type: single nucleotide variant.
Coding change: c.1138G>T on transcript NM_001330691.3 (MANE Select); coding-DNA position 1138, G replaced by T.
Protein change: p.Ala380Ser; replaces alanine 380 with serine.
Molecular consequence: missense variant.
Genome position (GRCh38, 1-based): chr9:78,251,976, G>T. VCF-style: chr9-78251976-G-T. GRCh37 (hg19) VCF-style: chr9-80866892-G-T.
Other names: c.1141G>T, p.Ala381Ser (NM_001098802.3, NM_001349839.2, NM_001349840.2 and 1 more transcripts); c.1138G>T, p.Ala380Ser (NM_001330693.3, NM_001330694.2, NM_001349838.2); c.1141G>T (NM_001098802.1); short protein forms A380S, A381S.
Identifiers: ClinVar variation 2416569 (VCV002416569.4), dbSNP rs182745565, ClinGen allele CA5095152.

ClinVar aggregate classification (germline): Uncertain significance. Review status: criteria provided, multiple submitters, no conflicts (2 of 4 stars). 2 submissions from 2 submitters: Uncertain significance (2). Last evaluated 2025-06-07.

Conditions:
Inborn genetic diseases. Identifiers: MedGen C0950123, MeSH D030342.

Allele frequency attached by ClinVar (database versions not stated): ESP Exome Variant Server 0.00008; 1000 Genomes Project 30x 0.00016.
gnomAD v4.1: 29 of 1,607,356 alleles (0.0018%); highest among the groups gnomAD compares: African/African-American, 0.031%; no homozygotes.

Submissions (2):

Ambry Genetics
Classification: Uncertain significance for Inborn genetic diseases. Last evaluated: 2025-06-07. Review status: criteria provided, single submitter. Criteria: Ambry Variant Classification Scheme 2023. Collection method: clinical testing. Allele origin: germline.

Labcorp Genetics (formerly Invitae), Labcorp
Classification: Uncertain significance. Last evaluated: 2022-05-04. Review status: criteria provided, single submitter. Criteria: Invitae Variant Classification Sherloc (09022015). Collection method: clinical testing. Allele origin: germline.
Comment: This sequence change replaces alanine, which is neutral and non-polar, with serine, which is neutral and polar, at codon 381 of the CEP78 protein (p.Ala381Ser). This variant is present in population databases (rs182745565, gnomAD 0.04%). This variant has not been reported in the literature in individuals affected with CEP78-related conditions. Algorithms developed to predict the effect of missense changes on protein structure and function (SIFT, PolyPhen-2, Align-GVGD) all suggest that this variant is likely to be tolerated. In summary, the available evidence is currently insufficient to determine the role of this variant in disease. Therefore, it has been classified as a Variant of Uncertain Significance.